The following is an entry in ClinVar:

ClinVar aggregate classification (germline): Uncertain significance (1 of 4 stars; one submission).

Conditions:
Hereditary cancer-predisposing syndrome. Also called: Hereditary neoplastic syndrome; Tumor predisposition; Hereditary Cancer Syndrome; Neoplastic Syndromes, Hereditary. Identifiers: Orphanet 140162, MedGen C0027672, MeSH D009386, MONDO:0015356.

Submission:

Ambry Genetics
Classification: Uncertain significance for Hereditary cancer-predisposing syndrome. Last evaluated: 2023-09-06. Review status: criteria provided, single submitter. Criteria: Ambry Variant Classification Scheme 2023. Collection method: clinical testing. Allele origin: germline.
Comment: The p.S887C variant (also known as c.2660C>G), located in coding exon 16 of the DICER1 gene, results from a C to G substitution at nucleotide position 2660. The serine at codon 887 is replaced by cysteine, an amino acid with dissimilar properties. This amino acid position is conserved. In addition, the in silico prediction for this alteration is inconclusive. Since supporting evidence is limited at this time, the clinical significance of this alteration remains unclear.

NM_177438.3(DICER1):c.2660C>G (p.Ser887Cys)

Gene: DICER1 (dicer 1, ribonuclease III; minus strand). Cytogenetic location: 14q32.13.
Variant type: single nucleotide variant.
Coding change: c.2660C>G on transcript NM_177438.3 (MANE Select); coding-DNA position 2660, C replaced by G.
Protein change: p.Ser887Cys; replaces serine 887 with cysteine.
Molecular consequence: missense variant. On other transcripts: non-coding transcript variant (6).
Genome position (GRCh38, 1-based): chr14:95,107,752, G>C on the plus strand (C>G on the coding strand, the complement: DICER1 is on the minus strand). VCF-style: chr14-95107752-G-C. GRCh37 (hg19) VCF-style: chr14-95574089-G-C.
Other names: c.2660C>G, p.Ser887Cys (NM_001195573.1, NM_001271282.3, NM_001291628.2 and 13 more transcripts); c.2378C>G, p.Ser793Cys (NM_001395686.1); c.2255C>G, p.Ser752Cys (NM_001395687.1, NM_001395688.1, NM_001395689.1 and 2 more transcripts); c.2093C>G, p.Ser698Cys (NM_001395691.1); c.977C>G, p.Ser326Cys (NM_001395697.1); short protein forms S887C, S752C, S793C, S326C, S698C.
Identifiers: ClinVar variation 2586434 (VCV002586434.2), dbSNP rs139441077, ClinGen allele CA390880926.
Genomic context (GRCh38, chr14:95,107,752, plus strand): 5'-ATGCGAGCTTCAGACTTCTCAATATCTTCCATGAATTTAAAGTCAATATCCAAAGTGCTG[G>C]AGTCATTAACTTAGAAGAGAAAAACGACTCTTTAGCTTGTTAAAACATGATACAGATAAG-3'
Protein context (NP_803187.1, residues 877-897): CVLPLNVVND[Ser887Cys]STLDIDFKFM